The following is an entry in ClinVar:

NM_004385.5(VCAN):c.1141A>G (p.Ile381Val)

Gene: VCAN (versican; plus strand). Cytogenetic location: 5q14.3.
Variant type: single nucleotide variant.
Coding change: c.1141A>G on transcript NM_004385.5 (MANE Select); coding-DNA position 1141, A replaced by G.
Protein change: p.Ile381Val; replaces isoleucine 381 with valine.
Molecular consequence: missense variant. On other transcripts: intron variant (2).
Genome position (GRCh38, 1-based): chr5:83,519,447, A>G. VCF-style: chr5-83519447-A-G. GRCh37 (hg19) VCF-style: chr5-82815266-A-G.
Other names: c.1141A>G, p.Ile381Val (NM_001164098.2); c.1042+7051A>G (NM_001164097.2, NM_001126336.3); short protein forms I381V.
Identifiers: ClinVar variation 1400430 (VCV001400430.7), dbSNP rs370616968, ClinGen allele CA3332619.
Genomic context (GRCh38, chr5:83,519,447, plus strand): 5'-GAAACTGCATCACCCAGTTTATCCAAAGAACCACAAATGGTTTCTGATAGAACTACACCA[A>G]TCATCCCTTTAGTTGATGAATTACCTGTCATTCCAACAGAGTTCCCTCCCGTGGGAAATA-3'
Protein context (NP_004376.2, residues 371-391): PQMVSDRTTP[Ile381Val]IPLVDELPVI

ClinVar aggregate classification (germline): Conflicting classifications of pathogenicity. Review status: criteria provided, conflicting classifications (1 of 4 stars). 2 submissions from 2 submitters: Uncertain significance (1); Likely benign (1). Last evaluated 2025-09-02.

Allele frequency attached by ClinVar (database versions not stated): gnomAD exomes 0.00005 and 0.00008; gnomAD 0.00006 and 0.00007; TOPMed 0.00006; ESP Exome Variant Server 0.00008; ExAC 0.00009; 1000 Genomes Project 30x 0.00016; 1000 Genomes Project 0.00020.

Submissions (2):

Labcorp Genetics (formerly Invitae), Labcorp
Classification: Uncertain significance. Last evaluated: 2025-09-02. Review status: criteria provided, single submitter. Criteria: Invitae Variant Classification Sherloc (09022015). Collection method: clinical testing. Allele origin: germline.
Comment: This sequence change replaces isoleucine, which is neutral and non-polar, with valine, which is neutral and non-polar, at codon 381 of the VCAN protein (p.Ile381Val). This variant is present in population databases (rs370616968, gnomAD 0.01%). This variant has not been reported in the literature in individuals affected with VCAN-related conditions. ClinVar contains an entry for this variant (Variation ID: 1400430). An algorithm developed to predict the effect of missense changes on protein structure and function outputs the following: PolyPhen-2: "Benign". The valine amino acid residue is found in multiple mammalian species, which suggests that this missense change does not adversely affect protein function. In summary, the available evidence is currently insufficient to determine the role of this variant in disease. Therefore, it has been classified as a Variant of Uncertain Significance.

Blueprint Genetics
Classification: Likely benign. Last evaluated: 2024-09-02. Review status: criteria provided, single submitter. Criteria: ACMG Guidelines, 2015. Collection method: clinical testing. Allele origin: germline.